The following is an entry in ClinVar:

NM_001394062.1(MACF1):c.18336T>C (p.Tyr6112=)

Gene: MACF1 (microtubule actin crosslinking factor 1; plus strand). Cytogenetic location: 1p34.3.
Variant type: single nucleotide variant.
Coding change: c.18336T>C on transcript NM_001394062.1 (MANE Select); coding-DNA position 18336, T replaced by C.
Protein change: p.Tyr6112=; no amino-acid change (tyrosine 6112 retained).
Molecular consequence: synonymous variant.
Genome position (GRCh38, 1-based): chr1:39,439,389, T>C. VCF-style: chr1-39439389-T-C. GRCh37 (hg19) VCF-style: chr1-39905061-T-C.
Other names: c.6414T>C, p.Tyr2138= (NM_001397473.1); c.12159T>C, p.Tyr4053= (NM_012090.5).
Identifiers: ClinVar variation 2068544 (VCV002068544.15), dbSNP rs151323961, ClinGen allele CA783859.

ClinVar aggregate classification (germline): Likely benign. Review status: criteria provided, multiple submitters, no conflicts (2 of 4 stars). 4 submissions from 4 submitters: Likely benign (3). 1 of the submissions does not count toward it. Last evaluated 2025-07-28.

Conditions:
MACF1-related disorder. Also called: MACF1-related condition.

Allele frequency attached by ClinVar (database versions not stated): ESP Exome Variant Server 0.00008; ExAC 0.00010; gnomAD exomes 0.00013; TOPMed 0.00014; gnomAD 0.00017.
gnomAD v4.1: 214 of 1,614,006 alleles (0.013%); highest among the groups gnomAD compares: Non-Finnish European, 0.017%; no homozygotes.

Submissions (4):

Labcorp Genetics (formerly Invitae), Labcorp
Classification: Likely benign. Last evaluated: 2025-07-28. Review status: criteria provided, single submitter. Criteria: Invitae Variant Classification Sherloc (09022015). Collection method: clinical testing. Allele origin: germline.

CeGaT Center for Human Genetics Tuebingen
Classification: Likely benign. Last evaluated: 2025-06-01. Review status: criteria provided, single submitter. Criteria: CeGaT Center For Human Genetics Tuebingen Variant Classification Criteria Version 2. Collection method: clinical testing. Allele origin: germline. Affected: yes. Observed: 1 variant allele.
Comment: MACF1: BP4, BP7

Blueprint Genetics
Classification: Likely benign. Last evaluated: 2024-10-17. Review status: criteria provided, single submitter. Criteria: ACMG Guidelines, 2015. Collection method: clinical testing. Allele origin: germline.

PreventionGenetics, part of Exact Sciences
Classification: Likely benign for MACF1-related condition. Last evaluated: 2019-05-08. Review status: no assertion criteria provided. Collection method: clinical testing. Allele origin: germline. Not counted in ClinVar's aggregate classification.
Comment: This variant is classified as likely benign based on ACMG/AMP sequence variant interpretation guidelines (Richards et al. 2015 PMID: 25741868, with internal and published modifications).